The following is an entry in ClinVar:

NM_015021.3(ZNF292):c.5153C>G (p.Pro1718Arg)

Gene: ZNF292 (zinc finger protein 292; plus strand). Cytogenetic location: 6q14.3.
Variant type: single nucleotide variant.
Coding change: c.5153C>G on transcript NM_015021.3 (MANE Select); coding-DNA position 5153, C replaced by G.
Protein change: p.Pro1718Arg; replaces proline 1718 with arginine.
Molecular consequence: missense variant.
Genome position (GRCh38, 1-based): chr6:87,258,782, C>G. VCF-style: chr6-87258782-C-G. GRCh37 (hg19) VCF-style: chr6-87968500-C-G.
Other names: c.4733C>G, p.Pro1578Arg (NM_001351444.2); short protein forms P1578R, P1718R.
Identifiers: ClinVar variation 3903345 (VCV003903345.1).

ClinVar aggregate classification (germline): Uncertain significance (1 of 4 stars; one submission).

Submission:

GeneDx
Classification: Uncertain significance. Last evaluated: 2024-12-09. Review status: criteria provided, single submitter. Criteria: GeneDx Variant Classification Process June 2021. Collection method: clinical testing. Allele origin: germline. Affected: yes.
Comment: Not observed at significant frequency in large population cohorts (gnomAD); In silico analysis indicates that this missense variant does not alter protein structure/function; Has not been previously published as pathogenic or benign to our knowledge